The following is an entry in ClinVar:

NM_005477.3(HCN4):c.52C>G (p.Gln18Glu)

Gene: HCN4 (hyperpolarization activated cyclic nucleotide gated potassium channel 4; minus strand). Cytogenetic location: 15q24.1.
Variant type: single nucleotide variant.
Coding change: c.52C>G on transcript NM_005477.3 (MANE Select); coding-DNA position 52, C replaced by G.
Protein change: p.Gln18Glu; replaces glutamine 18 with glutamic acid.
Molecular consequence: missense variant.
Genome position (GRCh38, 1-based): chr15:73,368,219, G>C on the plus strand (C>G on the coding strand, the complement: HCN4 is on the minus strand). VCF-style: chr15-73368219-G-C. GRCh37 (hg19) VCF-style: chr15-73660560-G-C.
Other names: short protein forms Q18E.
Identifiers: ClinVar variation 1988058 (VCV001988058.4), dbSNP rs2549080745, ClinGen allele CA393099185.

ClinVar aggregate classification (germline): Uncertain significance (1 of 4 stars; one submission).

Conditions:
Brugada syndrome 8 (BRGDA8). Identifiers: Orphanet 130, MedGen C2751083, MONDO:0013148, OMIM 613123.

Allele frequency attached by ClinVar (database versions not stated): gnomAD exomes below 0.00001.

Submission:

Labcorp Genetics (formerly Invitae), Labcorp
Classification: Uncertain significance for Brugada syndrome 8. Last evaluated: 2022-08-21. Review status: criteria provided, single submitter. Criteria: Invitae Variant Classification Sherloc (09022015). Collection method: clinical testing. Allele origin: germline.
Comment: In summary, the available evidence is currently insufficient to determine the role of this variant in disease. Therefore, it has been classified as a Variant of Uncertain Significance. Advanced modeling of protein sequence and biophysical properties (such as structural, functional, and spatial information, amino acid conservation, physicochemical variation, residue mobility, and thermodynamic stability) performed at Invitae indicates that this missense variant is not expected to disrupt HCN4 protein function. This variant has not been reported in the literature in individuals affected with HCN4-related conditions. This variant is not present in population databases (gnomAD no frequency). This sequence change replaces glutamine, which is neutral and polar, with glutamic acid, which is acidic and polar, at codon 18 of the HCN4 protein (p.Gln18Glu).